The following is an entry in ClinVar:

NM_020297.4(ABCC9):c.3482A>G (p.Gln1161Arg)

Gene: ABCC9 (ATP binding cassette subfamily C member 9; minus strand). Cytogenetic location: 12p12.1.
Variant type: single nucleotide variant.
Coding change: c.3482A>G on transcript NM_020297.4 (MANE Select); coding-DNA position 3482, A replaced by G.
Protein change: p.Gln1161Arg; replaces glutamine 1161 with arginine.
Molecular consequence: missense variant.
Genome position (GRCh38, 1-based): chr12:21,838,162, T>C on the plus strand (A>G on the coding strand, the complement: ABCC9 is on the minus strand). VCF-style: chr12-21838162-T-C. GRCh37 (hg19) VCF-style: chr12-21991096-T-C.
Other names: c.3482A>G, p.Gln1161Arg (NM_001377273.1, NM_005691.4); c.2615A>G, p.Gln872Arg (NM_001377274.1); short protein forms Q872R, Q1161R.
Identifiers: ClinVar variation 3659527 (VCV003659527.2).

ClinVar aggregate classification (germline): Uncertain significance (1 of 4 stars; one submission).

Conditions:
Dilated cardiomyopathy 1O (CMD1O). Also called: CARDIOMYOPATHY, DILATED, WITH VENTRICULAR TACHYCARDIA. Identifiers: Orphanet 154, MedGen C1837839, MONDO:0012062, OMIM 608569.

Submission:

Labcorp Genetics (formerly Invitae), Labcorp
Classification: Uncertain significance for Dilated cardiomyopathy 1O. Last evaluated: 2024-07-15. Review status: criteria provided, single submitter. Criteria: Invitae Variant Classification Sherloc (09022015). Collection method: clinical testing. Allele origin: germline.
Comment: This sequence change replaces glutamine, which is neutral and polar, with arginine, which is basic and polar, at codon 1161 of the ABCC9 protein (p.Gln1161Arg). This variant is not present in population databases (gnomAD no frequency). This variant has not been reported in the literature in individuals affected with ABCC9-related conditions. Advanced modeling of protein sequence and biophysical properties (such as structural, functional, and spatial information, amino acid conservation, physicochemical variation, residue mobility, and thermodynamic stability) has been performed at Invitae for this missense variant, however the output from this modeling did not meet the statistical confidence thresholds required to predict the impact of this variant on ABCC9 protein function. In summary, the available evidence is currently insufficient to determine the role of this variant in disease. Therefore, it has been classified as a Variant of Uncertain Significance.